The following is an entry in ClinVar:

ClinVar aggregate classification (germline): Benign/Likely benign. Review status: criteria provided, multiple submitters, no conflicts (2 of 4 stars). 6 submissions from 6 submitters: Benign (4); Likely benign (2). Last evaluated 2026-01-21.

Conditions:
Connective tissue disorder. Also called: Connective tissue disease. Identifiers: MedGen C0009782, MONDO:0003900.
Achondrogenesis, type IA (ACG1A). Identifiers: Orphanet 932, Orphanet 93299, MedGen C0265273, MONDO:0008701, OMIM 200600.

Allele frequency attached by ClinVar (database versions not stated): gnomAD 0.00042 and 0.00056; ExAC 0.00128; gnomAD exomes 0.00129; 1000 Genomes Project 30x 0.00265; TOPMed 0.00067; 1000 Genomes Project 0.00280.
gnomAD v4.1: 602 of 1,614,036 alleles (0.037%); highest among the groups gnomAD compares: East Asian, 1.1%; 5 homozygotes.

Submissions (6):

Labcorp Genetics (formerly Invitae), Labcorp
Classification: Benign for Achondrogenesis, type IA. Last evaluated: 2026-01-21. Review status: criteria provided, single submitter. Criteria: Invitae Variant Classification Sherloc (09022015). Collection method: clinical testing. Allele origin: germline.

ARUP Laboratories, Molecular Genetics and Genomics, ARUP Laboratories
Classification: Benign. Last evaluated: 2023-02-15. Review status: criteria provided, single submitter. Criteria: ARUP Molecular Germline Variant Investigation Process 2024. Collection method: clinical testing. Allele origin: germline.

Genome Diagnostics Laboratory, The Hospital for Sick Children
Classification: Likely benign for Connective tissue disorder. Last evaluated: 2022-05-27. Review status: criteria provided, single submitter. Criteria: ACMG Guidelines, 2015. Collection method: clinical testing. Allele origin: germline.

Illumina Laboratory Services, Illumina
Classification: Benign for Achondrogenesis, type IA. Last evaluated: 2018-01-13. Review status: criteria provided, single submitter. Criteria: ICSL Variant Classification Criteria 13 December 2019. Collection method: clinical testing. Allele origin: germline.
Comment: This variant was observed in the ICSL laboratory as part of a predisposition screen in an ostensibly healthy population. It had not been previously curated by ICSL or reported in the Human Gene Mutation Database (HGMD: prior to June 1st, 2018), and was therefore a candidate for classification through an automated scoring system. Utilizing variant allele frequency, disease prevalence and penetrance estimates, and inheritance mode, an automated score was calculated to assess if this variant is too frequent to cause the disease. Based on the score and internal cut-off values, a variant classified as benign is not then subjected to further curation. The score for this variant resulted in a classification of benign for this disease.

GeneDx
Classification: Benign. Last evaluated: 2017-04-27. Review status: criteria provided, single submitter. Criteria: GeneDx Variant Classification (06012015). Collection method: clinical testing. Allele origin: germline. Affected: yes.
Comment: This variant is considered likely benign or benign based on one or more of the following criteria: it is a conservative change, it occurs at a poorly conserved position in the protein, it is predicted to be benign by multiple in silico algorithms, and/or has population frequency not consistent with disease.

Breakthrough Genomics
Classification: Likely benign. Review status: criteria provided, single submitter. Criteria: ACMG Guidelines, 2015. Collection method: not provided. Allele origin: germline. Inheritance: Autosomal recessive inheritance. Affected: yes.

NM_004239.4(TRIP11):c.4139C>T (p.Thr1380Ile)

Gene: TRIP11 (thyroid hormone receptor interactor 11; minus strand). Cytogenetic location: 14q32.12.
Variant type: single nucleotide variant.
Coding change: c.4139C>T on transcript NM_004239.4 (MANE Select); coding-DNA position 4139, C replaced by T.
Protein change: p.Thr1380Ile; replaces threonine 1380 with isoleucine.
Molecular consequence: missense variant.
Genome position (GRCh38, 1-based): chr14:92,003,837, G>A on the plus strand (C>T on the coding strand, the complement: TRIP11 is on the minus strand). VCF-style: chr14-92003837-G-A. GRCh37 (hg19) VCF-style: chr14-92470181-G-A.
Other names: c.4136C>T, p.Thr1379Ile (NM_001321851.1); short protein forms T1380I, T1379I.
Identifiers: ClinVar variation 314944 (VCV000314944.26), dbSNP rs117748213, ClinGen allele CA7313517.